The following is an entry in ClinVar:

NM_001165963.4(SCN1A):c.5224G>A (p.Asp1742Asn)

Genes: SCN1A (sodium voltage-gated channel alpha subunit 1; minus strand), LOC102724058 (uncharacterized LOC102724058; plus strand). Cytogenetic location: 2q24.3.
Variant type: single nucleotide variant.
Coding change: c.5224G>A on transcript NM_001165963.4 (MANE Select); coding-DNA position 5224, G replaced by A.
Protein change: p.Asp1742Asn; replaces aspartic acid 1742 with asparagine.
Molecular consequence: missense variant. On other transcripts: non-coding transcript variant (1).
Genome position (GRCh38, 1-based): chr2:165,992,051, C>T on the plus strand (G>A on the coding strand, the complement: SCN1A is on the minus strand). VCF-style: chr2-165992051-C-T. GRCh37 (hg19) VCF-style: chr2-166848561-C-T.
Other names: c.5140G>A, p.Asp1714Asn (NM_001165964.3, NM_001353957.2, NM_001353958.2); c.5224G>A, p.Asp1742Asn (NM_001202435.3, NM_001353948.2); c.5191G>A, p.Asp1731Asn (NM_001353949.2, NM_001353950.2, NM_001353951.2 and 2 more transcripts); c.5188G>A, p.Asp1730Asn (NM_001353954.2, NM_001353955.2); c.5137G>A, p.Asp1713Asn (NM_001353960.2); c.2782G>A, p.Asp928Asn (NM_001353961.2); short protein forms D1713N, D1714N, D1730N, D1731N, D1742N, D928N.
Identifiers: ClinVar variation 1066554 (VCV001066554.10), dbSNP rs528239871, ClinGen allele CA1942685.
Genomic context (GRCh38, chr2:165,992,051, plus strand): 5'-CAACAGATGGGTTCCCACAGTCTCCCTTAACTGAGCTTCCAGGGTTAACTTTATTAGGGT[C>T]ACAGTCGGGTGGCTTACTGTTGAGAATGGGTGCTAGCAATCCATCCCAGCCAGCAGAGGT-3'
Protein context (NP_001159435.1, residues 1732-1752): PILNSKPPDC[Asp1742Asn]PNKVNPGSSV

ClinVar aggregate classification (germline): Likely pathogenic (1 of 4 stars; one submission).

Conditions:
Early-infantile DEE. Also called: Ohtahara syndrome; Early infantile epileptic encephalopathy with suppression bursts; Early infantile epileptic encephalopathy. Identifiers: Orphanet 1934, MedGen C0393706, MONDO:0800491.

Allele frequency attached by ClinVar (database versions not stated): gnomAD exomes below 0.00001 and 0.00001; ExAC 0.00001; gnomAD 0.00001; 1000 Genomes Project 0.00020; 1000 Genomes Project 30x 0.00031.
gnomAD v4.1: 7 of 1,613,986 alleles (0.00043%); highest among the groups gnomAD compares: South Asian, 0.0066%; no homozygotes.

Submission:

Labcorp Genetics (formerly Invitae), Labcorp
Classification: Likely pathogenic for Early-infantile DEE. Last evaluated: 2023-12-15. Review status: criteria provided, single submitter. Criteria: Invitae Variant Classification Sherloc (09022015). Collection method: clinical testing. Allele origin: germline.
Comment: This sequence change replaces aspartic acid, which is acidic and polar, with asparagine, which is neutral and polar, at codon 1742 of the SCN1A protein (p.Asp1742Asn). This variant is present in population databases (rs528239871, gnomAD 0.006%). This variant has not been reported in the literature in individuals affected with SCN1A-related conditions. ClinVar contains an entry for this variant (Variation ID: 1066554). Advanced modeling of protein sequence and biophysical properties (such as structural, functional, and spatial information, amino acid conservation, physicochemical variation, residue mobility, and thermodynamic stability) has been performed at Invitae for this missense variant, however the output from this modeling did not meet the statistical confidence thresholds required to predict the impact of this variant on SCN1A protein function. This variant disrupts the p.Asp1742 amino acid residue in SCN1A. Other variant(s) that disrupt this residue have been determined to be pathogenic (PMID: 15694566). This suggests that this residue is clinically significant, and that variants that disrupt this residue are likely to be disease-causing. In summary, the currently available evidence indicates that the variant is pathogenic, but additional data are needed to prove that conclusively. Therefore, this variant has been classified as Likely Pathogenic.

Literature cited by the submitters: PubMed 15694566.